The following is an entry in ClinVar:

ClinVar aggregate classification (germline): Uncertain significance (1 of 4 stars; one submission).

Conditions:
Pityriasis rubra pilaris (PRP). Also called: Pityriasis rubra pilaris--familial type. Identifiers: Orphanet 2897, MedGen C0032027, MONDO:0100017, OMIM 173200, MONDO:0008251.
Psoriasis 2. Identifiers: MedGen C1864497, MONDO:0011269, OMIM 602723.

Submission:

Labcorp Genetics (formerly Invitae), Labcorp
Classification: Uncertain significance for Pityriasis rubra pilaris; Psoriasis 2. Last evaluated: 2021-05-26. Review status: criteria provided, single submitter. Criteria: Invitae Variant Classification Sherloc (09022015). Collection method: clinical testing. Allele origin: germline.
Comment: This sequence change results in a frameshift in the CARD14 gene (p.Arg941Alafs*79). While this is not anticipated to result in nonsense mediated decay, it is expected to disrupt the last 64 amino acid(s) of the CARD14 protein and extend the protein by 14 additional amino acid residues. This variant is not present in population databases (ExAC no frequency). In summary, the available evidence is currently insufficient to determine the role of this variant in disease. Therefore, it has been classified as a Variant of Uncertain Significance. This variant has not been reported in the literature in individuals with CARD14-related conditions.

NM_001366385.1(CARD14):c.2821_2827del (p.Arg941fs)

Genes: SGSH (N-sulfoglucosamine sulfohydrolase; minus strand), CARD14 (caspase recruitment domain family member 14; plus strand). Cytogenetic location: 17q25.3.
Variant type: Deletion.
Coding change: c.2821_2827del on transcript NM_001366385.1 (MANE Select); coding-DNA positions 2821 to 2827, 7 bases deleted (CGGTTGG; older notation c.2821_2827delCGGTTGG).
Protein change: p.Arg941fs; shifts the reading frame from arginine 941.
Molecular consequence: frameshift variant. On other transcripts: non-coding transcript variant (1).
Genome position (GRCh38, 1-based): chr17:80,208,151-80,208,157, CGGTTGG deleted; deleting any 7 consecutive bases within chr17:80,208,150-80,208,157 gives the same sequence; the c. name uses the placement nearest the transcript's 3' end. VCF-style (leftmost placement, unchanged base first): chr17-80208149-AGCGGTTG-A. GRCh37 (hg19) VCF-style: chr17-78181948-AGCGGTTG-A.
Other names: c.2821_2827del, p.Arg941fs (NM_024110.4); short protein forms R941fs.
Identifiers: ClinVar variation 1440622 (VCV001440622.6), dbSNP rs2144636798, ClinGen allele CA2573155026.